The following is an entry in ClinVar:

NM_000423.3(KRT2):c.*411C>T

Gene: KRT2 (keratin 2; minus strand). Cytogenetic location: 12q13.13.
Variant type: single nucleotide variant.
Coding change: c.*411C>T on transcript NM_000423.3 (MANE Select); 411 bases downstream of the stop codon, C replaced by T.
Molecular consequence: 3 prime UTR variant.
Genome position (GRCh38, 1-based): chr12:52,644,608, G>A on the plus strand (C>T on the coding strand, the complement: KRT2 is on the minus strand). VCF-style: chr12-52644608-G-A. GRCh37 (hg19) VCF-style: chr12-53038392-G-A.
Identifiers: ClinVar variation 309583 (VCV000309583.5), dbSNP rs542479365, ClinGen allele CA10633200.

ClinVar aggregate classification (germline): Benign (1 of 4 stars; one submission).

Conditions:
Ichthyosis bullosa of Siemens (IBS). Also called: Superficial epidermolytic ichthyosis. Identifiers: Orphanet 455, MedGen C0432306, MONDO:0007813, OMIM 146800.

Allele frequency attached by ClinVar (database versions not stated): gnomAD exomes 0.00005; gnomAD 0.00008 and 0.00010; TOPMed 0.00017; 1000 Genomes Project 30x 0.00031; 1000 Genomes Project 0.00040.

Submission:

Illumina Laboratory Services, Illumina
Classification: Benign for Ichthyosis bullosa of Siemens. Last evaluated: 2018-01-13. Review status: criteria provided, single submitter. Criteria: ICSL Variant Classification Criteria 13 December 2019. Collection method: clinical testing. Allele origin: germline.
Comment: This variant was observed in the ICSL laboratory as part of a predisposition screen in an ostensibly healthy population. It had not been previously curated by ICSL or reported in the Human Gene Mutation Database (HGMD: prior to June 1st, 2018), and was therefore a candidate for classification through an automated scoring system. Utilizing variant allele frequency, disease prevalence and penetrance estimates, and inheritance mode, an automated score was calculated to assess if this variant is too frequent to cause the disease. Based on the score and internal cut-off values, a variant classified as benign is not then subjected to further curation. The score for this variant resulted in a classification of benign for this disease.